The following is an entry in ClinVar:

ClinVar aggregate classification (germline): Uncertain significance. Review status: criteria provided, multiple submitters, no conflicts (2 of 4 stars). 2 submissions from 2 submitters: Uncertain significance (2). Last evaluated 2024-12-10.

Conditions:
Inborn genetic diseases. Identifiers: MedGen C0950123, MeSH D030342.

gnomAD v4.1: 4 of 1,613,956 alleles (0.00025%); highest among the groups gnomAD compares: African/African-American, 0.004%; no homozygotes.

Submissions (2):

Ambry Genetics
Classification: Uncertain significance for Inborn genetic diseases. Last evaluated: 2024-12-10. Review status: criteria provided, single submitter. Criteria: Ambry Variant Classification Scheme 2023. Collection method: clinical testing. Allele origin: germline.

Women's Health and Genetics/Laboratory Corporation of America, LabCorp
Classification: Uncertain significance. Last evaluated: 2024-12-10. Review status: criteria provided, single submitter. Criteria: LabCorp Variant Classification Summary - May 2015. Collection method: clinical testing. Allele origin: germline.
Comment: Variant summary: KCNN2 c.2188A>G (p.Ile730Val) results in a conservative amino acid change in the encoded protein sequence. Two of four in-silico tools predict a benign effect of the variant on protein function. The variant allele was found at a frequency of 8e-06 in 251154 control chromosomes. The available data on variant occurrences in the general population are insufficient to allow any conclusion about variant significance. To our knowledge, no occurrence of c.2188A>G in individuals affected with KCNN2-Related Disorders and no experimental evidence demonstrating its impact on protein function have been reported. No submitters have cited clinical-significance assessments for this variant to ClinVar. Based on the evidence outlined above, the variant was classified as uncertain significance.

NM_021614.4(KCNN2):c.2188A>G (p.Ile730Val)

Genes: KCNN2 (potassium calcium-activated channel subfamily N member 2; plus strand), LOC101927078 (uncharacterized LOC101927078; minus strand). Cytogenetic location: 5q22.3.
Variant type: single nucleotide variant.
Coding change: c.2188A>G on transcript NM_021614.4 (MANE Select); coding-DNA position 2188, A replaced by G.
Protein change: p.Ile730Val; replaces isoleucine 730 with valine.
Molecular consequence: missense variant. On other transcripts: non-coding transcript variant (2).
Genome position (GRCh38, 1-based): chr5:114,495,994, A>G. VCF-style: chr5-114495994-A-G. GRCh37 (hg19) VCF-style: chr5-113831691-A-G.
Other names: c.2386A>G, p.Ile796Val (NM_001372233.1); c.508A>G, p.Ile170Val (NM_170775.3); short protein forms I730V, I796V, I170V.
Identifiers: ClinVar variation 3532620 (VCV003532620.2).